The following is an entry in ClinVar:

ClinVar aggregate classification (germline): Uncertain significance (1 of 4 stars; one submission).

gnomAD v4.1: 5 of 1,614,222 alleles (0.00031%); highest among the groups gnomAD compares: Non-Finnish European, 0.00042%; no homozygotes.

Submission:

GeneDx
Classification: Uncertain significance. Last evaluated: 2026-03-11. Review status: criteria provided, single submitter. Criteria: GeneDx Variant Classification Process June 2021. Collection method: clinical testing. Allele origin: germline.
Comment: Not observed at significant frequency in large population cohorts (gnomAD); In silico analysis suggests that this missense variant does not alter protein structure/function; Has not been previously published as pathogenic or benign to our knowledge

NM_005502.4(ABCA1):c.1474A>G (p.Asn492Asp)

Gene: ABCA1 (ATP binding cassette subfamily A member 1; minus strand). Cytogenetic location: 9q31.1.
Variant type: single nucleotide variant.
Coding change: c.1474A>G on transcript NM_005502.4 (MANE Select); coding-DNA position 1474, A replaced by G.
Protein change: p.Asn492Asp; replaces asparagine 492 with aspartic acid.
Molecular consequence: missense variant.
Genome position (GRCh38, 1-based): chr9:104,832,609, T>C on the plus strand (A>G on the coding strand, the complement: ABCA1 is on the minus strand). VCF-style: chr9-104832609-T-C. GRCh37 (hg19) VCF-style: chr9-107594890-T-C.
Other names: short protein forms N492D.
Identifiers: ClinVar variation 5009005 (VCV005009005.1).